The following is an entry in ClinVar:

ClinVar aggregate classification (germline): Uncertain significance (1 of 4 stars; one submission).

Submission:

Greenwood Genetic Center Diagnostic Laboratories, Greenwood Genetic Center
Classification: Uncertain significance. Last evaluated: 2023-08-31. Review status: criteria provided, single submitter. Criteria: ACMG Guidelines, 2015. Collection method: clinical testing. Allele origin: germline. Affected: yes.
Comment: PM2

NM_001136035.4(TRMT1):c.1485C>G (p.Leu495=)

Gene: TRMT1 (tRNA methyltransferase 1; minus strand). Cytogenetic location: 19p13.13.
Variant type: single nucleotide variant.
Coding change: c.1485C>G on transcript NM_001136035.4 (MANE Select); coding-DNA position 1485, C replaced by G.
Protein change: p.Leu495=; no amino-acid change (leucine 495 retained).
Molecular consequence: synonymous variant.
Genome position (GRCh38, 1-based): chr19:13,107,772, G>C on the plus strand (C>G on the coding strand, the complement: TRMT1 is on the minus strand). VCF-style: chr19-13107772-G-C. GRCh37 (hg19) VCF-style: chr19-13218586-G-C.
Other names: c.1398C>G, p.Leu466= (NM_001142554.3, NM_001351760.2); c.1377C>G, p.Leu459= (NM_001351761.2); c.702C>G, p.Leu234= (NM_001351762.2); c.1485C>G, p.Leu495= (NM_017722.5).
Identifiers: ClinVar variation 2626914 (VCV002626914.1), dbSNP rs2513078069, ClinGen allele CA505649447.